The following is an entry in ClinVar:

ClinVar aggregate classification (germline): Likely benign (0 of 4 stars; one submission).

Conditions:
SRPRA-related disorder. Also called: SRPRA-related condition.

Submission:

PreventionGenetics, part of Exact Sciences
Classification: Likely benign for SRPRA-related condition. Last evaluated: 2020-09-25. Review status: no assertion criteria provided. Collection method: clinical testing. Allele origin: germline.
Comment: This variant is classified as likely benign based on ACMG/AMP sequence variant interpretation guidelines (Richards et al. 2015 PMID: 25741868, with internal and published modifications).

NM_003139.4(SRPRA):c.365+3GA[2]

Gene: SRPRA (SRP receptor subunit alpha; minus strand). Cytogenetic location: 11q24.2.
Variant type: Microsatellite.
Coding change: c.365+3GA[2] on transcript NM_003139.4 (MANE Select); two copies in a row of the 2-base unit GA starting at c.365+3; the reference has three copies in a row; one copy, 2 bases deleted.
Molecular consequence: intron variant.
Genome position (GRCh38, 1-based): chr11:126,267,541-126,267,542, TC deleted on the plus strand (GA on the coding strand, the reverse complement: SRPRA is on the minus strand); deleting any 2 consecutive bases within chr11:126,267,541-126,267,546 gives the same sequence; the position shown is the placement nearest the transcript's 3' end. VCF-style (leftmost placement, unchanged base first): chr11-126267540-GTC-G. GRCh37 (hg19) VCF-style: chr11-126137435-GTC-G.
Other names: c.281+3GA[2] (NM_001177842.2).
Identifiers: ClinVar variation 3040360 (VCV003040360.2), dbSNP rs780486799, ClinGen allele CA6353736.